The following is an entry in ClinVar:

ClinVar aggregate classification (germline): Uncertain significance. Review status: criteria provided, multiple submitters, no conflicts (2 of 4 stars). 2 submissions from 2 submitters: Uncertain significance (2). Last evaluated 2025-07-09.

Conditions:
Inborn genetic diseases. Identifiers: MedGen C0950123, MeSH D030342.
Norman-Roberts syndrome (LIS2). Also called: Lissencephaly 2 (Norman-Roberts type). Identifiers: Orphanet 89844, MedGen C0796089, MONDO:0009760, OMIM 257320.
Familial temporal lobe epilepsy 7. Identifiers: Orphanet 101046, MedGen C4225327, MONDO:0014639, OMIM 616436.

Submissions (2):

Labcorp Genetics (formerly Invitae), Labcorp
Classification: Uncertain significance for Familial temporal lobe epilepsy 7; Norman-Roberts syndrome. Last evaluated: 2025-07-09. Review status: criteria provided, single submitter. Criteria: Invitae Variant Classification Sherloc (09022015). Collection method: clinical testing. Allele origin: germline.
Comment: This sequence change replaces phenylalanine, which is neutral and non-polar, with leucine, which is neutral and non-polar, at codon 143 of the RELN protein (p.Phe143Leu). This variant is not present in population databases (gnomAD no frequency). This variant has not been reported in the literature in individuals affected with RELN-related conditions. ClinVar contains an entry for this variant (Variation ID: 3313588). Invitae Evidence Modeling of protein sequence and biophysical properties (such as structural, functional, and spatial information, amino acid conservation, physicochemical variation, residue mobility, and thermodynamic stability) indicates that this missense variant is not expected to disrupt RELN protein function with a negative predictive value of 80%. In summary, the available evidence is currently insufficient to determine the role of this variant in disease. Therefore, it has been classified as a Variant of Uncertain Significance.

Ambry Genetics
Classification: Uncertain significance for Inborn genetic diseases. Last evaluated: 2024-04-04. Review status: criteria provided, single submitter. Criteria: Ambry Variant Classification Scheme 2023. Collection method: clinical testing. Allele origin: germline.

NM_005045.4(RELN):c.429C>G (p.Phe143Leu)

Gene: RELN (reelin; minus strand). Cytogenetic location: 7q22.1.
Variant type: single nucleotide variant.
Coding change: c.429C>G on transcript NM_005045.4 (MANE Select); coding-DNA position 429, C replaced by G.
Protein change: p.Phe143Leu; replaces phenylalanine 143 with leucine.
Molecular consequence: missense variant.
Genome position (GRCh38, 1-based): chr7:103,833,581, G>C on the plus strand (C>G on the coding strand, the complement: RELN is on the minus strand). VCF-style: chr7-103833581-G-C. GRCh37 (hg19) VCF-style: chr7-103474028-G-C.
Other names: c.429C>G, p.Phe143Leu (NM_173054.3); short protein forms F143L.
Identifiers: ClinVar variation 3313588 (VCV003313588.3).